The following is an entry in ClinVar:

ClinVar aggregate classification (germline): Pathogenic (1 of 4 stars; one submission).

Allele frequency attached by ClinVar (database versions not stated): gnomAD exomes below 0.00001.

Submission:

Labcorp Genetics (formerly Invitae), Labcorp
Classification: Pathogenic. Last evaluated: 2023-10-06. Review status: criteria provided, single submitter. Criteria: Invitae Variant Classification Sherloc (09022015). Collection method: clinical testing. Allele origin: germline.
Comment: This sequence change creates a premature translational stop signal (p.Ala2149Glyfs*3) in the PCNT gene. It is expected to result in an absent or disrupted protein product. Loss-of-function variants in PCNT are known to be pathogenic (PMID: 18174396, 22821869). This variant is not present in population databases (gnomAD no frequency). This variant has not been reported in the literature in individuals affected with PCNT-related conditions. For these reasons, this variant has been classified as Pathogenic.

Literature cited by the submitters: PubMed 18174396; PubMed 22821869.

NM_006031.6(PCNT):c.6445dup (p.Ala2149fs)

Gene: PCNT (pericentrin; plus strand). Cytogenetic location: 21q22.3.
Variant type: Duplication.
Coding change: c.6445dup on transcript NM_006031.6 (MANE Select); coding-DNA position 6445, one base duplicated (G; older notation c.6445dupG).
Protein change: p.Ala2149fs; shifts the reading frame from alanine 2149.
Molecular consequence: frameshift variant.
Genome position (GRCh38, 1-based): chr21:46,416,363, G duplicated. VCF-style (leftmost placement, unchanged base first): chr21-46416362-C-CG. GRCh37 (hg19) VCF-style: chr21-47836276-C-CG.
Other names: c.6091dup, p.Ala2031fs (NM_001315529.2); short protein forms A2031fs, A2149fs.
Identifiers: ClinVar variation 3003599 (VCV003003599.3), dbSNP rs2518829375, ClinGen allele CA2577634086.